The following is an entry in ClinVar:

ClinVar aggregate classification (germline): Likely benign. Review status: criteria provided, multiple submitters, no conflicts (2 of 4 stars). 2 submissions from 2 submitters: Likely benign (2). Last evaluated 2025-03-10.

Conditions:
FREM2-related disorder. Also called: FREM2-related condition.

Allele frequency attached by ClinVar (database versions not stated): ExAC 0.00003; TOPMed 0.00004; gnomAD 0.00005; gnomAD exomes 0.00006; ESP Exome Variant Server 0.00008.
gnomAD v4.1: 101 of 1,613,968 alleles (0.0063%); highest among the groups gnomAD compares: African/African-American, 0.0093%; no homozygotes.

Submissions (2):

PreventionGenetics, part of Exact Sciences
Classification: Likely benign for FREM2-related condition. Last evaluated: 2025-03-10. Review status: criteria provided, single submitter. Criteria: ACMG Guidelines, 2015. Collection method: clinical testing. Allele origin: germline.
Comment: This variant is classified as likely benign based on ACMG/AMP sequence variant interpretation guidelines (Richards et al. 2015 PMID: 25741868, with internal and published modifications).

Labcorp Genetics (formerly Invitae), Labcorp
Classification: Likely benign. Last evaluated: 2024-01-18. Review status: criteria provided, single submitter. Criteria: Invitae Variant Classification Sherloc (09022015). Collection method: clinical testing. Allele origin: germline.

NM_207361.6(FREM2):c.9126G>A (p.Lys3042=)

Gene: FREM2 (FRAS1 related extracellular matrix 2; plus strand). Cytogenetic location: 13q13.3.
Variant type: single nucleotide variant.
Coding change: c.9126G>A on transcript NM_207361.6 (MANE Select); coding-DNA position 9126, G replaced by A.
Protein change: p.Lys3042=; no amino-acid change (lysine 3042 retained).
Molecular consequence: synonymous variant.
Genome position (GRCh38, 1-based): chr13:38,880,403, G>A. VCF-style: chr13-38880403-G-A. GRCh37 (hg19) VCF-style: chr13-39454540-G-A.
Other names: c.9126G>A (NM_207361.5).
Identifiers: ClinVar variation 2904821 (VCV002904821.4), dbSNP rs368021911, ClinGen allele CA6956316.